The following is an entry in ClinVar:

NM_205836.3(FBXO38):c.3130C>T (p.Arg1044Cys)

Gene: FBXO38 (F-box protein 38; plus strand). Cytogenetic location: 5q32.
Variant type: single nucleotide variant.
Coding change: c.3130C>T on transcript NM_205836.3 (MANE Select); coding-DNA position 3130, C replaced by T.
Protein change: p.Arg1044Cys; replaces arginine 1044 with cysteine.
Molecular consequence: missense variant.
Genome position (GRCh38, 1-based): chr5:148,439,752, C>T. VCF-style: chr5-148439752-C-T. GRCh37 (hg19) VCF-style: chr5-147819315-C-T.
Other names: c.2395C>T, p.Arg799Cys (NM_001271723.2); c.2905C>T, p.Arg969Cys (NM_030793.5); short protein forms R799C, R1044C, R969C.
Identifiers: ClinVar variation 1034852 (VCV001034852.10), dbSNP rs1269391994, ClinGen allele CA361660895.

ClinVar aggregate classification (germline): Uncertain significance (1 of 4 stars; one submission).

Conditions:
Distal hereditary motor neuropathy type 2. Identifiers: Orphanet 139525, MedGen C3711384, MeSH C580044, MONDO:0015352.

Allele frequency attached by ClinVar (database versions not stated): gnomAD exomes 0.00001; TOPMed 0.00001; gnomAD 0.00002.
gnomAD v4.1: 13 of 1,613,908 alleles (0.00081%); highest among the groups gnomAD compares: Admixed American, 0.0017%; no homozygotes.

Submission:

Labcorp Genetics (formerly Invitae), Labcorp
Classification: Uncertain significance for Distal hereditary motor neuropathy type 2. Last evaluated: 2022-02-02. Review status: criteria provided, single submitter. Criteria: Invitae Variant Classification Sherloc (09022015). Collection method: clinical testing. Allele origin: germline.
Comment: In summary, the available evidence is currently insufficient to determine the role of this variant in disease. Therefore, it has been classified as a Variant of Uncertain Significance. Algorithms developed to predict the effect of missense changes on protein structure and function are either unavailable or do not agree on the potential impact of this missense change (SIFT: "Deleterious"; PolyPhen-2: "Probably Damaging"; Align-GVGD: "Class C0"). ClinVar contains an entry for this variant (Variation ID: 1034852). This variant has not been reported in the literature in individuals affected with FBXO38-related conditions. This variant is present in population databases (no rsID available, gnomAD 0.002%). This sequence change replaces arginine, which is basic and polar, with cysteine, which is neutral and slightly polar, at codon 969 of the FBXO38 protein (p.Arg969Cys).